The following is an entry in ClinVar:

ClinVar aggregate classification (germline): Uncertain significance. Review status: criteria provided, multiple submitters, no conflicts (2 of 4 stars). 2 submissions from 2 submitters: Uncertain significance (2). Last evaluated 2023-08-07.

Conditions:
Tuberous sclerosis 2 (TSC2). Identifiers: Orphanet 805, MedGen C1860707, MONDO:0013199, OMIM 613254.
Hereditary cancer-predisposing syndrome. Also called: Neoplastic Syndromes, Hereditary; Hereditary Cancer Syndrome; Tumor predisposition; Hereditary neoplastic syndrome. Identifiers: Orphanet 140162, MedGen C0027672, MeSH D009386, MONDO:0015356.

Submissions (2):

Ambry Genetics
Classification: Uncertain significance for Hereditary cancer-predisposing syndrome. Last evaluated: 2023-08-07. Review status: criteria provided, single submitter. Criteria: Ambry Variant Classification Scheme 2023. Collection method: clinical testing. Allele origin: germline.
Comment: The p.R413G variant (also known as c.1237A>G), located in coding exon 11 of the TSC2 gene, results from an A to G substitution at nucleotide position 1237. The arginine at codon 413 is replaced by glycine, an amino acid with dissimilar properties. This amino acid position is conserved. In addition, the in silico prediction for this alteration is inconclusive. Since supporting evidence is limited at this time, the clinical significance of this alteration remains unclear.

Labcorp Genetics (formerly Invitae), Labcorp
Classification: Uncertain significance for Tuberous sclerosis 2. Last evaluated: 2022-03-08. Review status: criteria provided, single submitter. Criteria: Invitae Variant Classification Sherloc (09022015). Collection method: clinical testing. Allele origin: germline.
Comment: This variant has not been reported in the literature in individuals affected with TSC2-related conditions. Advanced modeling of protein sequence and biophysical properties (such as structural, functional, and spatial information, amino acid conservation, physicochemical variation, residue mobility, and thermodynamic stability) performed at Invitae indicates that this missense variant is not expected to disrupt TSC2 protein function. Algorithms developed to predict the effect of sequence changes on RNA splicing suggest that this variant may disrupt the consensus splice site. In summary, the available evidence is currently insufficient to determine the role of this variant in disease. Therefore, it has been classified as a Variant of Uncertain Significance. This variant is not present in population databases (gnomAD no frequency). This sequence change replaces arginine, which is basic and polar, with glycine, which is neutral and non-polar, at codon 413 of the TSC2 protein (p.Arg413Gly).

NM_000548.5(TSC2):c.1237A>G (p.Arg413Gly)

Gene: TSC2 (TSC complex subunit 2; plus strand). Cytogenetic location: 16p13.3.
Variant type: single nucleotide variant.
Coding change: c.1237A>G on transcript NM_000548.5 (MANE Select); coding-DNA position 1237, A replaced by G.
Protein change: p.Arg413Gly; replaces arginine 413 with glycine.
Molecular consequence: missense variant.
Genome position (GRCh38, 1-based): chr16:2,061,988, A>G. VCF-style: chr16-2061988-A-G. GRCh37 (hg19) VCF-style: chr16-2111989-A-G.
Other names: c.1237A>G, p.Arg413Gly (NM_001077183.3, NM_001114382.3, NM_001363528.2 and 3 more transcripts); c.1126A>G, p.Arg376Gly (NM_001318827.2); c.1090A>G, p.Arg364Gly (NM_001318829.2); c.637A>G, p.Arg213Gly (NM_001318831.2); c.1270A>G, p.Arg424Gly (NM_001318832.2); c.1237A>G (NM_000548.3); short protein forms R364G, R413G, R376G, R213G, R424G.
Identifiers: ClinVar variation 1463594 (VCV001463594.9), dbSNP rs2151156876, ClinGen allele CA394321350.